The following is an entry in ClinVar:

ClinVar aggregate classification (germline): Uncertain significance (1 of 4 stars; one submission).

Allele frequency attached by ClinVar (database versions not stated): TOPMed 0.00001.

Submission:

Labcorp Genetics (formerly Invitae), Labcorp
Classification: Uncertain significance. Last evaluated: 2022-07-23. Review status: criteria provided, single submitter. Criteria: Invitae Variant Classification Sherloc (09022015). Collection method: clinical testing. Allele origin: germline.
Comment: In summary, the available evidence is currently insufficient to determine the role of this variant in disease. Therefore, it has been classified as a Variant of Uncertain Significance. Algorithms developed to predict the effect of missense changes on protein structure and function output the following: SIFT: "Not Available"; PolyPhen-2: "Probably Damaging"; Align-GVGD: "Not Available". The arginine amino acid residue is found in multiple mammalian species, which suggests that this missense change does not adversely affect protein function. This variant has not been reported in the literature in individuals affected with POC5-related conditions. This variant is not present in population databases (gnomAD no frequency). This sequence change replaces lysine, which is basic and polar, with arginine, which is basic and polar, at codon 294 of the POC5 protein (p.Lys294Arg).

NM_001099271.2(POC5):c.881A>G (p.Lys294Arg)

Gene: POC5 (POC5 centriolar protein; minus strand). Cytogenetic location: 5q13.3.
Variant type: single nucleotide variant.
Coding change: c.881A>G on transcript NM_001099271.2 (MANE Select); coding-DNA position 881, A replaced by G.
Protein change: p.Lys294Arg; replaces lysine 294 with arginine.
Molecular consequence: missense variant.
Genome position (GRCh38, 1-based): chr5:75,690,477, T>C on the plus strand (A>G on the coding strand, the complement: POC5 is on the minus strand). VCF-style: chr5-75690477-T-C. GRCh37 (hg19) VCF-style: chr5-74986302-T-C.
Other names: c.806A>G, p.Lys269Arg (NM_152408.3); short protein forms K269R, K294R.
Identifiers: ClinVar variation 1713545 (VCV001713545.5), dbSNP rs1185560852, ClinGen allele CA360146460.